The following is an entry in ClinVar:

NM_000053.4(ATP7B):c.2679C>T (p.Asp893=)

Gene: ATP7B (ATPase copper transporting beta; minus strand). Cytogenetic location: 13q14.3.
Variant type: single nucleotide variant.
Coding change: c.2679C>T on transcript NM_000053.4 (MANE Select); coding-DNA position 2679, C replaced by T.
Protein change: p.Asp893=; no amino-acid change (aspartic acid 893 retained).
Molecular consequence: synonymous variant.
Genome position (GRCh38, 1-based): chr13:51,950,058, G>A on the plus strand (C>T on the coding strand, the complement: ATP7B is on the minus strand). VCF-style: chr13-51950058-G-A. GRCh37 (hg19) VCF-style: chr13-52524194-G-A.
Other names: c.2193C>T, p.Asp731= (NM_001005918.3); c.2346C>T, p.Asp782= (NM_001243182.2); c.2445C>T, p.Asp815= (NM_001330578.2); c.2427C>T, p.Asp809= (NM_001330579.2).
Identifiers: ClinVar variation 755550 (VCV000755550.13), dbSNP rs755739707, ClinGen allele CA6988938.

ClinVar aggregate classification (germline): Likely benign. Review status: criteria provided, multiple submitters, no conflicts (2 of 4 stars). 4 submissions from 4 submitters: Likely benign (4). Last evaluated 2025-12-17.

Conditions:
Inborn genetic diseases. Identifiers: MedGen C0950123, MeSH D030342.
Wilson disease (WND). Also called: Wilson's disease. Identifiers: Orphanet 905, MedGen C0019202, MONDO:0010200, OMIM 277900. Disease mechanism: loss of function.

Allele frequency attached by ClinVar (database versions not stated): ExAC 0.00001; gnomAD 0.00001; gnomAD exomes 0.00001; TOPMed 0.00001.
gnomAD v4.1: 10 of 1,614,066 alleles (0.00062%); highest among the groups gnomAD compares: Admixed American, 0.0033%; no homozygotes.

Submissions (4):

Labcorp Genetics (formerly Invitae), Labcorp
Classification: Likely benign for Wilson disease. Last evaluated: 2025-12-17. Review status: criteria provided, single submitter. Criteria: Invitae Variant Classification Sherloc (09022015). Collection method: clinical testing. Allele origin: germline.

All of Us Research Program, National Institutes of Health
Classification: Likely benign for Wilson disease. Last evaluated: 2024-06-17. Review status: criteria provided, single submitter. Criteria: ACMG Guidelines, 2015. Collection method: clinical testing. Allele origin: germline. Inheritance: Autosomal recessive inheritance. Observed: 1 variant allele, 1 heterozygote.
Comment: This study involves interpretation of variants in research participants for the purpose of population health screening. Participant phenotype was not available at the time of variant classification. Additional details can be found in publication PMID: 35346344, PMCID: PMC8962531

Fulgent Genetics
Classification: Likely benign for Wilson disease. Last evaluated: 2022-03-29. Review status: criteria provided, single submitter. Criteria: ACMG Guidelines, 2015. Collection method: clinical testing. Allele origin: unknown.

Ambry Genetics
Classification: Likely benign for Inborn genetic diseases. Last evaluated: 2019-07-12. Review status: criteria provided, single submitter. Criteria: Ambry Variant Classification Scheme 2023. Collection method: clinical testing. Allele origin: germline.